The following is an entry in ClinVar:

NM_000257.4(MYH7):c.2699A>G (p.Asp900Gly)

Gene: MYH7 (myosin heavy chain 7; minus strand). Cytogenetic location: 14q11.2.
Variant type: single nucleotide variant.
Coding change: c.2699A>G on transcript NM_000257.4 (MANE Select); coding-DNA position 2699, A replaced by G.
Protein change: p.Asp900Gly; replaces aspartic acid 900 with glycine.
Molecular consequence: missense variant.
Genome position (GRCh38, 1-based): chr14:23,424,130, T>C on the plus strand (A>G on the coding strand, the complement: MYH7 is on the minus strand). VCF-style: chr14-23424130-T-C. GRCh37 (hg19) VCF-style: chr14-23893339-T-C.
Other names: short protein forms D900G.
Identifiers: ClinVar variation 42924 (VCV000042924.6), dbSNP rs397516163, ClinGen allele CA012883.

ClinVar aggregate classification (germline): Uncertain significance. Review status: criteria provided, multiple submitters, no conflicts (2 of 4 stars). 2 submissions from 2 submitters: Uncertain significance (2). Last evaluated 2025-03-06.

Conditions:
Hypertrophic cardiomyopathy. Also called: HYPERTROPHIC MYOCARDIOPATHY. Identifiers: Orphanet 217569, MedGen C0007194, MeSH D002312, MONDO:0005045, HP:0001639.

Submissions (2):

Labcorp Genetics (formerly Invitae), Labcorp
Classification: Uncertain significance for Hypertrophic cardiomyopathy. Last evaluated: 2025-03-06. Review status: criteria provided, single submitter. Criteria: Invitae Variant Classification Sherloc (09022015). Collection method: clinical testing. Allele origin: germline.
Comment: This sequence change replaces aspartic acid, which is acidic and polar, with glycine, which is neutral and non-polar, at codon 900 of the MYH7 protein (p.Asp900Gly). This variant is not present in population databases (gnomAD no frequency). This missense change has been observed in individual(s) with hypertrophic cardiomyopathy (PMID: 27532257, 34542152, 37652022). ClinVar contains an entry for this variant (Variation ID: 42924). Invitae Evidence Modeling of protein sequence and biophysical properties (such as structural, functional, and spatial information, amino acid conservation, physicochemical variation, residue mobility, and thermodynamic stability) indicates that this missense variant is expected to disrupt MYH7 protein function with a positive predictive value of 95%. In summary, the available evidence is currently insufficient to determine the role of this variant in disease. Therefore, it has been classified as a Variant of Uncertain Significance.

Laboratory for Molecular Medicine, Mass General Brigham Personalized Medicine
Classification: Uncertain significance. Last evaluated: 2014-01-20. Review status: criteria provided, single submitter. Criteria: LMM Criteria. Collection method: clinical testing. Allele origin: germline. Observed: 1 variant allele.
Comment: proposed classification - variant undergoing re-assessment, contact laboratory

Literature cited by the submitters: PubMed 27532257 (cited by Labcorp Genetics (formerly Invitae), Labcorp); PubMed 34542152 (cited by Labcorp Genetics (formerly Invitae), Labcorp); PubMed 37652022 (cited by Labcorp Genetics (formerly Invitae), Labcorp).